The following is an entry in ClinVar:

NM_001378969.1(KCND3):c.1910G>A (p.Gly637Asp)

Gene: KCND3 (potassium voltage-gated channel subfamily D member 3; minus strand). Cytogenetic location: 1p13.2.
Variant type: single nucleotide variant.
Coding change: c.1910G>A on transcript NM_001378969.1 (MANE Select); coding-DNA position 1910, G replaced by A.
Protein change: p.Gly637Asp; replaces glycine 637 with aspartic acid.
Molecular consequence: missense variant.
Genome position (GRCh38, 1-based): chr1:111,776,135, C>T on the plus strand (G>A on the coding strand, the complement: KCND3 is on the minus strand). VCF-style: chr1-111776135-C-T. GRCh37 (hg19) VCF-style: chr1-112318757-C-T.
Other names: c.1853G>A, p.Gly618Asp (NM_001378970.1, NM_172198.3); c.1910G>A, p.Gly637Asp (NM_004980.5); short protein forms G618D, G637D.
Identifiers: ClinVar variation 3862709 (VCV003862709.3).

ClinVar aggregate classification (germline): Uncertain significance. Review status: criteria provided, multiple submitters, no conflicts (2 of 4 stars). 2 submissions from 2 submitters: Uncertain significance (2). Last evaluated 2025-12-01.

Conditions:
Cardiovascular phenotype. Identifiers: MedGen CN230736.

gnomAD v4.1: 2 of 1,614,216 alleles (0.00012%); highest among the groups gnomAD compares: Admixed American, 0.0033%; no homozygotes.

Submissions (2):

Ambry Genetics
Classification: Uncertain significance for Cardiovascular phenotype. Last evaluated: 2025-12-01. Review status: criteria provided, single submitter. Criteria: Ambry Variant Classification Scheme 2023. Collection method: clinical testing. Allele origin: germline.
Comment: The p.G637D variant (also known as c.1910G>A), located in coding exon 7 of the KCND3 gene, results from a G to A substitution at nucleotide position 1910. The glycine at codon 637 is replaced by aspartic acid, an amino acid with similar properties. This amino acid position is conserved. In addition, the in silico prediction for this alteration is inconclusive. Based on the available evidence, the clinical significance of this variant remains unclear.

GeneDx
Classification: Uncertain significance. Last evaluated: 2025-04-03. Review status: criteria provided, single submitter. Criteria: GeneDx Variant Classification Process June 2021. Collection method: clinical testing. Allele origin: germline. Affected: yes.
Comment: Not observed at significant frequency in large population cohorts (gnomAD); In silico analysis indicates that this missense variant does not alter protein structure/function; Has not been previously published as pathogenic or benign to our knowledge